The following is an entry in ClinVar:

NM_004260.4(RECQL4):c.84G>A (p.Gln28=)

Genes: RECQL4 (RecQ like helicase 4; minus strand), LOC130001411 (ATAC-STARR-seq lymphoblastoid silent region 19699; plus strand). Cytogenetic location: 8q24.3.
Variant type: single nucleotide variant.
Coding change: c.84G>A on transcript NM_004260.4 (MANE Select); coding-DNA position 84, G replaced by A.
Protein change: p.Gln28=; no amino-acid change (glutamine 28 retained).
Molecular consequence: synonymous variant.
Genome position (GRCh38, 1-based): chr8:144,517,701, C>T on the plus strand (G>A on the coding strand, the complement: RECQL4 is on the minus strand). VCF-style: chr8-144517701-C-T. GRCh37 (hg19) VCF-style: chr8-145743085-C-T.
Identifiers: ClinVar variation 641742 (VCV000641742.4), dbSNP rs1586835584, ClinGen allele CA463474000.

ClinVar aggregate classification (germline): Uncertain significance (1 of 4 stars; one submission).

Conditions:
Baller-Gerold syndrome (BGS). Also called: CRANIOSYNOSTOSIS WITH RADIAL DEFECTS. Identifiers: Orphanet 1225, MedGen C0265308, MONDO:0009039, OMIM 218600.

Submission:

Labcorp Genetics (formerly Invitae), Labcorp
Classification: Uncertain significance for Baller-Gerold syndrome. Last evaluated: 2023-06-28. Review status: criteria provided, single submitter. Criteria: Invitae Variant Classification Sherloc (09022015). Collection method: clinical testing. Allele origin: germline.
Comment: This variant is not present in population databases (gnomAD no frequency). In summary, the available evidence is currently insufficient to determine the role of this variant in disease. Therefore, it has been classified as a Variant of Uncertain Significance. Variants that disrupt the consensus splice site are a relatively common cause of aberrant splicing (PMID: 17576681, 9536098). Algorithms developed to predict the effect of sequence changes on RNA splicing suggest that this variant may disrupt the consensus splice site. ClinVar contains an entry for this variant (Variation ID: 641742). This variant has not been reported in the literature in individuals affected with RECQL4-related conditions. This sequence change affects codon 28 of the RECQL4 mRNA. It is a 'silent' change, meaning that it does not change the encoded amino acid sequence of the RECQL4 protein. This variant also falls at the last nucleotide of exon 1, which is part of the consensus splice site for this exon.

Literature cited by the submitters: PubMed 17576681; PubMed 9536098.